The following is an entry in ClinVar:

ClinVar aggregate classification (germline): Uncertain significance (1 of 4 stars; one submission).

Conditions:
CHD7-related disorder. Also called: CHD7-related condition.

Allele frequency attached by ClinVar (database versions not stated): gnomAD exomes below 0.00001; TOPMed below 0.00001.
gnomAD v4.1: 1 of 1,610,952 alleles (0.000062%); highest among the groups gnomAD compares: East Asian, 0.0022%; no homozygotes.

Submission:

PreventionGenetics, part of Exact Sciences
Classification: Uncertain significance for CHD7-related condition. Last evaluated: 2022-11-29. Review status: criteria provided, single submitter. Criteria: ACMG Guidelines, 2015. Collection method: clinical testing. Allele origin: germline.
Comment: The CHD7 c.8180G>A variant is predicted to result in the amino acid substitution p.Arg2727Lys. To our knowledge, this variant has not been reported in the literature or in a large population database, indicating this variant is rare. At this time, the clinical significance of this variant is uncertain due to the absence of conclusive functional and genetic evidence.

NM_017780.4(CHD7):c.8180G>A (p.Arg2727Lys)

Gene: CHD7 (chromodomain helicase DNA binding protein 7; plus strand). Cytogenetic location: 8q12.2.
Variant type: single nucleotide variant.
Coding change: c.8180G>A on transcript NM_017780.4 (MANE Select); coding-DNA position 8180, G replaced by A.
Protein change: p.Arg2727Lys; replaces arginine 2727 with lysine.
Molecular consequence: missense variant.
Genome position (GRCh38, 1-based): chr8:60,865,119, G>A. VCF-style: chr8-60865119-G-A. GRCh37 (hg19) VCF-style: chr8-61777678-G-A.
Other names: c.2033G>A, p.Arg678Lys (NM_001316690.1); short protein forms R2727K, R678K.
Identifiers: ClinVar variation 2636862 (VCV002636862.1), dbSNP rs1217616477, ClinGen allele CA371307571.